The following is an entry in ClinVar:

NM_006231.4(POLE):c.4396G>A (p.Glu1466Lys)

Gene: POLE (DNA polymerase epsilon, catalytic subunit; minus strand). Cytogenetic location: 12q24.33.
Variant type: single nucleotide variant.
Coding change: c.4396G>A on transcript NM_006231.4 (MANE Select); coding-DNA position 4396, G replaced by A.
Protein change: p.Glu1466Lys; replaces glutamic acid 1466 with lysine.
Molecular consequence: missense variant.
Genome position (GRCh38, 1-based): chr12:132,643,455, C>T on the plus strand (G>A on the coding strand, the complement: POLE is on the minus strand). VCF-style: chr12-132643455-C-T. GRCh37 (hg19) VCF-style: chr12-133220041-C-T.
Other names: short protein forms E1466K.
Identifiers: ClinVar variation 566631 (VCV000566631.11), dbSNP rs1258004616, ClinGen allele CA387381132.
Genomic context (GRCh38, chr12:132,643,455, plus strand): 5'-TGCAGGCCATACCTGGTTCCAGGTAGCTGAACTGGGCCAGAGAGCGCATCTCCAGGTGCT[C>T]AAGAGCAAAGGTCTCTGCTTCCCAGCCTGAAAGGTGCCTCACCAGCTGTTTATTGACCAC-3'
Protein context (NP_006222.2, residues 1456-1476): SGWEAETFAL[Glu1466Lys]HLEMRSLAQF

ClinVar aggregate classification (germline): Uncertain significance. Review status: criteria provided, multiple submitters, no conflicts (2 of 4 stars). 2 submissions from 2 submitters: Uncertain significance (2). Last evaluated 2025-07-29.

Conditions:
Hereditary cancer-predisposing syndrome. Also called: Neoplastic Syndromes, Hereditary; Tumor predisposition; Hereditary neoplastic syndrome; Hereditary Cancer Syndrome. Identifiers: Orphanet 140162, MedGen C0027672, MeSH D009386, MONDO:0015356.

Submissions (2):

Labcorp Genetics (formerly Invitae), Labcorp
Classification: Uncertain significance. Last evaluated: 2025-07-29. Review status: criteria provided, single submitter. Criteria: Invitae Variant Classification Sherloc (09022015). Collection method: clinical testing. Allele origin: germline.
Comment: This sequence change replaces glutamic acid, which is acidic and polar, with lysine, which is basic and polar, at codon 1466 of the POLE protein (p.Glu1466Lys). This variant is not present in population databases (gnomAD no frequency). This variant has not been reported in the literature in individuals affected with POLE-related conditions. ClinVar contains an entry for this variant (Variation ID: 566631). Invitae Evidence Modeling of protein sequence and biophysical properties (such as structural, functional, and spatial information, amino acid conservation, physicochemical variation, residue mobility, and thermodynamic stability) indicates that this missense variant is not expected to disrupt POLE protein function with a negative predictive value of 80%. In summary, the available evidence is currently insufficient to determine the role of this variant in disease. Therefore, it has been classified as a Variant of Uncertain Significance.

Ambry Genetics
Classification: Uncertain significance for Hereditary cancer-predisposing syndrome. Last evaluated: 2023-11-09. Review status: criteria provided, single submitter. Criteria: Ambry Variant Classification Scheme 2023. Collection method: clinical testing. Allele origin: germline.
Comment: The p.E1466K variant (also known as c.4396G>A), located in coding exon 34 of the POLE gene, results from a G to A substitution at nucleotide position 4396. The glutamic acid at codon 1466 is replaced by lysine, an amino acid with similar properties. This amino acid position is conserved. In addition, this alteration is predicted to be tolerated by in silico analysis. Since supporting evidence is limited at this time, the clinical significance of this alteration remains unclear.